The following is an entry in ClinVar:

NM_000540.3(RYR1):c.4282A>G (p.Asn1428Asp)

Gene: RYR1 (ryanodine receptor 1; plus strand). Cytogenetic location: 19q13.2.
Variant type: single nucleotide variant.
Coding change: c.4282A>G on transcript NM_000540.3 (MANE Select); coding-DNA position 4282, A replaced by G.
Protein change: p.Asn1428Asp; replaces asparagine 1428 with aspartic acid.
Molecular consequence: missense variant.
Genome position (GRCh38, 1-based): chr19:38,475,439, A>G. VCF-style: chr19-38475439-A-G. GRCh37 (hg19) VCF-style: chr19-38966079-A-G.
Other names: c.4282A>G, p.Asn1428Asp (NM_001042723.2); short protein forms N1428D.
Identifiers: ClinVar variation 2822702 (VCV002822702.4), dbSNP rs1256329279, ClinGen allele CA405644710.

ClinVar aggregate classification (germline): Uncertain significance. Review status: criteria provided, multiple submitters, no conflicts (2 of 4 stars). 2 submissions from 2 submitters: Uncertain significance (2). Last evaluated 2024-03-24.

Conditions:
RYR1-related disorder. Also called: RYR1-related condition; RYR1-related disorders. Identifiers: MedGen CN239331.
Malignant hyperthermia, susceptibility to, 1 (MHS1). Also called: Anesthesia related hyperthermia; Malignant hyperpyrexia; Fulminating hyperpyrexia; Pharmacogenic myopathy; RYR1-Related Malignant Hyperthermia Susceptibility; Malignant hyperthermia suceptibility 1. Identifiers: Orphanet 423, MedGen C2930980, MONDO:0007783, OMIM 145600.

Submissions (2):

All of Us Research Program, National Institutes of Health
Classification: Uncertain significance for Malignant hyperthermia, susceptibility to, 1. Last evaluated: 2024-03-24. Review status: criteria provided, single submitter. Criteria: ACMG Guidelines, 2015. Collection method: clinical testing. Allele origin: germline. Inheritance: Autosomal dominant inheritance. Observed: 1 variant allele, 1 heterozygote.
Comment: This missense variant replaces asparagine with aspartic acid at codon 1428 of the RYR1 protein. Computational prediction suggests that this variant may not impact protein structure and function. To our knowledge, functional studies have not been reported for this variant. This variant has not been reported in individuals affected with RYR1-related disorders in the literature. This variant has not been identified in the general population by the Genome Aggregation Database (gnomAD). The available evidence is insufficient to determine the role of this variant in disease conclusively. Therefore, this variant is classified as a Variant of Uncertain Significance.

This study involves interpretation of variants in research participants for the purpose of population health screening. Participant phenotype was not available at the time of variant classification. Additional details can be found in publication PMID: 35346344, PMCID: PMC8962531

Labcorp Genetics (formerly Invitae), Labcorp
Classification: Uncertain significance for RYR1-related disorder. Last evaluated: 2023-09-05. Review status: criteria provided, single submitter. Criteria: Invitae Variant Classification Sherloc (09022015). Collection method: clinical testing. Allele origin: germline.
Comment: In summary, the available evidence is currently insufficient to determine the role of this variant in disease. Therefore, it has been classified as a Variant of Uncertain Significance. Advanced modeling of protein sequence and biophysical properties (such as structural, functional, and spatial information, amino acid conservation, physicochemical variation, residue mobility, and thermodynamic stability) has been performed at Invitae for this missense variant, however the output from this modeling did not meet the statistical confidence thresholds required to predict the impact of this variant on RYR1 protein function. This sequence change replaces asparagine, which is neutral and polar, with aspartic acid, which is acidic and polar, at codon 1428 of the RYR1 protein (p.Asn1428Asp). This variant is not present in population databases (gnomAD no frequency). This variant has not been reported in the literature in individuals affected with RYR1-related conditions.